The following is an entry in ClinVar:

ClinVar aggregate classification (germline): Uncertain significance (1 of 4 stars; one submission).

Conditions:
Autoimmune enteropathy and endocrinopathy - susceptibility to chronic infections syndrome. Also called: Immunodeficiency 31C, autosomal dominant; Immunodeficiency 31C. Identifiers: Orphanet 391487, MedGen C3279990, MONDO:0013599, OMIM 614162.
Mendelian susceptibility to mycobacterial diseases due to partial STAT1 deficiency. Also called: IMMUNODEFICIENCY 31A, MYCOBACTERIOSIS, AUTOSOMAL DOMINANT; STAT1 DEFICIENCY, AUTOSOMAL DOMINANT; Immunodeficiency 31a. Identifiers: Orphanet 319595, MedGen C4013950, MONDO:0013956, OMIM 614892.
Immunodeficiency 31B. Also called: STAT1 DEFICIENCY, AUTOSOMAL RECESSIVE; IMMUNODEFICIENCY 31B, MYCOBACTERIAL AND VIRAL INFECTIONS, AUTOSOMAL RECESSIVE. Identifiers: Orphanet 391311, MedGen C3151088, MONDO:0013427, OMIM 613796.

Submission:

Labcorp Genetics (formerly Invitae), Labcorp
Classification: Uncertain significance for Mendelian susceptibility to mycobacterial diseases due to partial STAT1 deficiency; Immunodeficiency 31B; Autoimmune enteropathy and endocrinopathy - susceptibility to chronic infections syndrome. Last evaluated: 2025-05-14. Review status: criteria provided, single submitter. Criteria: Invitae Variant Classification Sherloc (09022015). Collection method: clinical testing. Allele origin: germline.
Comment: This sequence change replaces threonine, which is neutral and polar, with serine, which is neutral and polar, at codon 451 of the STAT1 protein (p.Thr451Ser). Information on the frequency of this variant in the gnomAD database is not available, as this variant may be reported differently in the database. This variant has not been reported in the literature in individuals affected with STAT1-related conditions. ClinVar contains an entry for this variant (Variation ID: 2935912). Experimental studies and prediction algorithms are not available or were not evaluated, and the functional significance of this variant is currently unknown. In summary, the available evidence is currently insufficient to determine the role of this variant in disease. Therefore, it has been classified as a Variant of Uncertain Significance.

NM_007315.4(STAT1):c.1350_1351delinsTT (p.Thr451Ser)

Gene: STAT1 (signal transducer and activator of transcription 1; minus strand). Cytogenetic location: 2q32.2.
Variant type: Indel.
Coding change: c.1350_1351delinsTT on transcript NM_007315.4 (MANE Select); coding-DNA positions 1350 to 1351, GA replaced by TT.
Protein change: p.Thr451Ser; replaces threonine 451 with serine.
Molecular consequence: missense variant.
Genome position (GRCh38, 1-based): chr2:190,983,737-190,983,738, TC replaced by AA on the plus strand (GA replaced by TT on the coding strand, the reverse complement: STAT1 is on the minus strand). VCF-style: chr2-190983737-TC-AA. GRCh37 (hg19) VCF-style: chr2-191848463-TC-AA.
Other names: c.1290_1291delinsTT, p.Thr431Ser (NM_001384880.1); c.1356_1357delinsTT, p.Thr453Ser (NM_001384881.1, NM_001384884.1); c.1344_1345delinsTT, p.Thr449Ser (NM_001384882.1); c.1251_1252delinsTT, p.Thr418Ser (NM_001384883.1); c.1191_1192delinsTT, p.Thr398Ser (NM_001384885.1); c.1350_1351delinsTT, p.Thr451Ser (NM_001384886.1, NM_001384889.1, NM_139266.3); c.1257_1258delinsTT, p.Thr420Ser (NM_001384887.1); c.1320_1321delinsTT, p.Thr441Ser (NM_001384888.1); and 2 more; short protein forms T418S, T441S, T463S, T398S, T421S, T431S, T449S, T453S.
Identifiers: ClinVar variation 2935912 (VCV002935912.3), dbSNP rs2470449280, ClinGen allele CA2740096399.